The following is an entry in ClinVar:

ClinVar aggregate classification (germline): Likely benign. Review status: criteria provided, multiple submitters, no conflicts (2 of 4 stars). 4 submissions from 4 submitters: Likely benign (4). Last evaluated 2026-08-17.

Conditions:
CABP2-related disorder. Also called: CABP2-related condition.

Allele frequency attached by ClinVar (database versions not stated): gnomAD exomes 0.00012; ExAC 0.00013; ESP Exome Variant Server 0.00038; 1000 Genomes Project 0.00040; 1000 Genomes Project 30x 0.00047; TOPMed 0.00055; gnomAD 0.00056 and 0.00060.
gnomAD v4.1: 186 of 1,613,796 alleles (0.012%); highest among the groups gnomAD compares: African/African-American, 0.2%; 1 homozygote.

Submissions (4):

PreventionGenetics, part of Exact Sciences
Classification: Likely benign for CABP2-related condition. Last evaluated: 2026-08-17. Review status: criteria provided, single submitter. Criteria: ACMG Guidelines, 2015. Collection method: clinical testing. Allele origin: germline.
Comment: This variant is classified as likely benign based on ACMG/AMP sequence variant interpretation guidelines (Richards et al. 2015 PMID: 25741868, with internal and published modifications).

Labcorp Genetics (formerly Invitae), Labcorp
Classification: Likely benign. Last evaluated: 2025-09-02. Review status: criteria provided, single submitter. Criteria: Invitae Variant Classification Sherloc (09022015). Collection method: clinical testing. Allele origin: germline.

Blueprint Genetics
Classification: Likely benign. Last evaluated: 2024-08-05. Review status: criteria provided, single submitter. Criteria: ACMG Guidelines, 2015. Collection method: clinical testing. Allele origin: germline.

Laboratory for Molecular Medicine, Mass General Brigham Personalized Medicine
Classification: Likely benign. Last evaluated: 2017-11-27. Review status: criteria provided, single submitter. Criteria: LMM Criteria. Collection method: clinical testing. Allele origin: germline. Observed: 1 variant allele.
Comment: c.638-10G>A in intron 6 of CABP2: This variant is not expected to have clinical significance because it is not located within the splice consensus sequence and it is not predicted to have an impact on splicing. This variant has been identif ied in 0.19% (46/24014) of African chromosomes by the Genome Aggregation Databas e (gnomAD; dbSNP rs188811948). ACMG/AMP Criter ia applied: BP4, BP7.

NM_016366.3(CABP2):c.638-10G>A

Gene: CABP2 (calcium binding protein 2; minus strand). Cytogenetic location: 11q13.2.
Variant type: single nucleotide variant.
Coding change: c.638-10G>A on transcript NM_016366.3 (MANE Select); 10 bases into the intron before coding-DNA position 638, G replaced by A.
Molecular consequence: intron variant.
Genome position (GRCh38, 1-based): chr11:67,519,174, C>T on the plus strand (G>A on the coding strand, the complement: CABP2 is on the minus strand). VCF-style: chr11-67519174-C-T. GRCh37 (hg19) VCF-style: chr11-67286645-C-T.
Other names: c.656-10G>A (NM_001318496.2).
Identifiers: ClinVar variation 506194 (VCV000506194.9), dbSNP rs188811948, ClinGen allele CA6142346.
Genomic context (GRCh38, chr11:67,519,174, plus strand): 5'-TGCTGCCTCCAGCTTCTGTACAGGCTCACCGAGACATCATTCGCACAAACTCTGCCAGGA[C>T]GAAGCCAAGGTTTTGGGTCTGTTCTCTGGACTGCGCTAGGAGTGAGGATCATCTGCAGGC-3'